The following is an entry in ClinVar:

ClinVar aggregate classification (germline): Uncertain significance (1 of 4 stars; one submission).

Conditions:
Catecholaminergic polymorphic ventricular tachycardia 1. Also called: VENTRICULAR TACHYCARDIA, STRESS-INDUCED POLYMORPHIC 1; VENTRICULAR TACHYCARDIA, CATECHOLAMINERGIC POLYMORPHIC, 1, WITH OR WITHOUT ATRIAL DYSFUNCTION AND/OR DILATED CARDIOMYOPATHY; RYR2-Related Catecholaminergic Polymorphic Ventricular Tachycardia. Identifiers: Orphanet 3286, MedGen C1631597, MONDO:0011484, OMIM 604772.

Allele frequency attached by ClinVar (database versions not stated): gnomAD 0.00001; TOPMed 0.00001.
gnomAD v4.1: 1 of 1,613,762 alleles (0.000062%); highest among the groups gnomAD compares: African/African-American, 0.0013%; no homozygotes.

Submission:

Labcorp Genetics (formerly Invitae), Labcorp
Classification: Uncertain significance for Catecholaminergic polymorphic ventricular tachycardia 1. Last evaluated: 2026-01-06. Review status: criteria provided, single submitter. Criteria: Invitae Variant Classification Sherloc (09022015). Collection method: clinical testing. Allele origin: germline.
Comment: This sequence change replaces glycine, which is neutral and non-polar, with arginine, which is basic and polar, at codon 1320 of the RYR2 protein (p.Gly1320Arg). This variant is not present in population databases (gnomAD no frequency). This variant has not been reported in the literature in individuals affected with RYR2-related conditions. ClinVar contains an entry for this variant (Variation ID: 1524041). Invitae Evidence Modeling of protein sequence and biophysical properties (such as structural, functional, and spatial information, amino acid conservation, physicochemical variation, residue mobility, and thermodynamic stability) indicates that this missense variant is not expected to disrupt RYR2 protein function with a negative predictive value of 95%. In summary, the available evidence is currently insufficient to determine the role of this variant in disease. Therefore, it has been classified as a Variant of Uncertain Significance.

NM_001035.3(RYR2):c.3958G>A (p.Gly1320Arg)

Genes: RYR2 (ryanodine receptor 2; plus strand), LOC126806067 (BRD4-independent group 4 enhancer GRCh37_chr1:237753258-237754457; plus strand). Cytogenetic location: 1q43.
Variant type: single nucleotide variant.
Coding change: c.3958G>A on transcript NM_001035.3 (MANE Select); coding-DNA position 3958, G replaced by A.
Protein change: p.Gly1320Arg; replaces glycine 1320 with arginine.
Molecular consequence: missense variant.
Genome position (GRCh38, 1-based): chr1:237,590,790, G>A. VCF-style: chr1-237590790-G-A. GRCh37 (hg19) VCF-style: chr1-237754090-G-A.
Other names: short protein forms G1320R.
Identifiers: ClinVar variation 1524041 (VCV001524041.8), dbSNP rs1264658238, ClinGen allele CA345397438.